The following is an entry in ClinVar:

NM_000222.3(KIT):c.2781G>T (p.Gln927His)

Gene: KIT (KIT proto-oncogene, receptor tyrosine kinase; plus strand). Cytogenetic location: 4q12.
Variant type: single nucleotide variant.
Coding change: c.2781G>T on transcript NM_000222.3 (MANE Select); coding-DNA position 2781, G replaced by T.
Protein change: p.Gln927His; replaces glutamine 927 with histidine.
Molecular consequence: missense variant.
Genome position (GRCh38, 1-based): chr4:54,737,259, G>T. VCF-style: chr4-54737259-G-T. GRCh37 (hg19) VCF-style: chr4-55603425-G-T.
Other names: c.2769G>T, p.Gln923His (NM_001093772.2, NM_001385292.1); c.2784G>T, p.Gln928His (NM_001385284.1); c.2778G>T, p.Gln926His (NM_001385285.1); c.2766G>T, p.Gln922His (NM_001385286.1); c.2772G>T, p.Gln924His (NM_001385288.1); c.2781G>T, p.Gln927His (NM_001385290.1); short protein forms Q922H, Q923H, Q927H, Q924H, Q926H, Q928H.
Identifiers: ClinVar variation 3590596 (VCV003590596.1).

ClinVar aggregate classification (germline): Uncertain significance. Review status: criteria provided, multiple submitters, no conflicts (2 of 4 stars). 2 submissions from 2 submitters: Uncertain significance (2). Last evaluated 2025-11-04.

Conditions:
Hereditary cancer-predisposing syndrome. Also called: Neoplastic Syndromes, Hereditary; Tumor predisposition; Hereditary neoplastic syndrome; Hereditary Cancer Syndrome. Identifiers: Orphanet 140162, MedGen C0027672, MeSH D009386, MONDO:0015356.
Germ cell tumor of testis (TGCT). Also called: GERM CELL TUMOR, SOMATIC; Testicular germ cell tumor. Identifiers: Orphanet 363504, MedGen C1336708, MONDO:0010108, OMIM 273300.
Gastrointestinal stromal tumor. Also called: Gastrointestinal stromal tumor, somatic; Gastrointestinal stroma tumor. Identifiers: Orphanet 44890, MedGen C0238198, MeSH D046152, MONDO:0011719, OMIM 606764, HP:0100723.
Acute myeloid leukemia (AML). Also called: Acute myeloid leukemia, adult; AML adult; Acute non-lymphocytic leukemia; Acute granulocytic leukemia; Leukemia, acute myeloid, somatic; Leukemia, acute myelogenous, somatic. Identifiers: Orphanet 519, MedGen C0023467, MeSH D015470, MONDO:0018874, OMIM 601626, HP:0004808. Disease mechanism: Constitutively activated FLT3.
Cutaneous mastocytosis. Also called: MASTOCYTOSIS, MACULOPAPULAR CUTANEOUS. Identifiers: Orphanet 66646, MedGen C1136033, MONDO:0019023, OMIM 154800, HP:0200151.
Piebaldism. Also called: Piebald skin depigmentation. Identifiers: Orphanet 2884, MedGen C0080024, MONDO:0008244, OMIM 172800, HP:0007544.

gnomAD v4.1: 1 of 1,612,456 alleles (0.000062%); highest among the groups gnomAD compares: South Asian, 0.0011%; no homozygotes.

Submissions (2):

Ambry Genetics
Classification: Uncertain significance for Hereditary cancer-predisposing syndrome. Last evaluated: 2025-11-04. Review status: criteria provided, single submitter. Criteria: Ambry Variant Classification Scheme 2023. Collection method: clinical testing. Allele origin: germline.
Comment: The p.Q927H variant (also known as c.2781G>T), located in coding exon 20 of the KIT gene, results from a G to T substitution at nucleotide position 2781. The glutamine at codon 927 is replaced by histidine, an amino acid with highly similar properties. This amino acid position is well conserved in available vertebrate species. In addition, the in silico prediction for this alteration is inconclusive. Based on the available evidence, the clinical significance of this variant remains unclear.

Fulgent Genetics
Classification: Uncertain significance for Cutaneous mastocytosis; Piebaldism; Germ cell tumor of testis; Acute myeloid leukemia; Gastrointestinal stromal tumor. Last evaluated: 2024-01-23. Review status: criteria provided, single submitter. Criteria: ACMG Guidelines, 2015. Collection method: clinical testing. Allele origin: germline.